The following is an entry in ClinVar:

NM_000064.4(C3):c.3325C>G (p.Leu1109Val)

Gene: C3 (complement C3; minus strand). Cytogenetic location: 19p13.3.
Variant type: single nucleotide variant.
Coding change: c.3325C>G on transcript NM_000064.4 (MANE Select); coding-DNA position 3325, C replaced by G.
Protein change: p.Leu1109Val; replaces leucine 1109 with valine.
Molecular consequence: missense variant.
Genome position (GRCh38, 1-based): chr19:6,692,989, G>C on the plus strand (C>G on the coding strand, the complement: C3 is on the minus strand). VCF-style: chr19-6692989-G-C. GRCh37 (hg19) VCF-style: chr19-6693000-G-C.
Other names: short protein forms L1109V.
Identifiers: ClinVar variation 4280200 (VCV004280200.1).
Genomic context (GRCh38, chr19:6,692,989, plus strand): 5'-TTTCTTGGTGTATCACGGGCGCATCCTCCTGGAAGACCCCGTCGGGCTTCTGCTTCTCCA[G>C]GATCAGCCATTTAACAGCCCCGCAGAGGACTTGGGAGTCGATGGCGATGAGGTTGACAGC-3'
Protein context (NP_000055.2, residues 1099-1119): VLCGAVKWLI[Leu1109Val]EKQKPDGVFQ

ClinVar aggregate classification (germline): Uncertain significance (1 of 4 stars; one submission).

Conditions:
Atypical hemolytic-uremic syndrome. Identifiers: Orphanet 2134, MedGen C2931788, MONDO:0016244.

Submission:

Genomenon, Inc
Classification: Uncertain significance for Atypical hemolytic-uremic syndrome. Last evaluated: 2025-09-30. Review status: criteria provided, single submitter. Criteria: Genomenon Sequence Variant Interpretation Standards. Collection method: curation. Allele origin: germline. Affected: yes.
Comment: C3 p.Leu1109Val (c.3325C>G) is a missense variant that changes the amino acid at residue 1109 from Leucine to Valine. This variant has been observed in at least one proband affected with atypical hemolytic-uremic syndrome (PMID:25608561). It is absent or not present at a significant frequency in gnomAD. In silico models agree that this variant is possibly or probably damaging. In conclusion, we classify C3 p.Leu1109Val (c.3325C>G) as a variant of unknown significance.

Literature cited by the submitters: PubMed 25608561.